The following is an entry in ClinVar:

ClinVar aggregate classification (germline): Likely benign (1 of 4 stars; one submission).

Allele frequency attached by ClinVar (database versions not stated): 1000 Genomes Project 30x 0.00203; 1000 Genomes Project 0.00220; TOPMed 0.00243; gnomAD 0.00245; ESP Exome Variant Server 0.00283; gnomAD exomes 0.00339; ExAC 0.00403.
gnomAD v4.1: 5,256 of 1,605,384 alleles (0.33%); highest among the groups gnomAD compares: Non-Finnish European, 0.37%; 13 homozygotes.

Submission:

CeGaT Center for Human Genetics Tuebingen
Classification: Likely benign. Last evaluated: 2024-06-01. Review status: criteria provided, single submitter. Criteria: CeGaT Center For Human Genetics Tuebingen Variant Classification Criteria Version 2. Collection method: clinical testing. Allele origin: germline. Affected: yes. Observed: 3 variant alleles.
Comment: MUC5B: BP4

NM_002458.3(MUC5B):c.4430C>T (p.Thr1477Met)

Gene: MUC5B (mucin 5B, oligomeric mucus/gel-forming; plus strand). Cytogenetic location: 11p15.5.
Variant type: single nucleotide variant.
Coding change: c.4430C>T on transcript NM_002458.3 (MANE Select); coding-DNA position 4430, C replaced by T.
Protein change: p.Thr1477Met; replaces threonine 1477 with methionine.
Molecular consequence: missense variant.
Genome position (GRCh38, 1-based): chr11:1,241,310, C>T. VCF-style: chr11-1241310-C-T. GRCh37 (hg19) VCF-style: chr11-1262540-C-T.
Other names: short protein forms T1477M.
Identifiers: ClinVar variation 2641200 (VCV002641200.24), dbSNP rs201894106, ClinGen allele CA5805417.